The following is an entry in ClinVar:

NM_145167.3(PIGM):c.8C>T (p.Ser3Phe)

Gene: PIGM (phosphatidylinositol glycan anchor biosynthesis class M; minus strand). Cytogenetic location: 1q23.2.
Variant type: single nucleotide variant.
Coding change: c.8C>T on transcript NM_145167.3 (MANE Select); coding-DNA position 8, C replaced by T.
Protein change: p.Ser3Phe; replaces serine 3 with phenylalanine.
Molecular consequence: missense variant.
Genome position (GRCh38, 1-based): chr1:160,031,732, G>A on the plus strand (C>T on the coding strand, the complement: PIGM is on the minus strand). VCF-style: chr1-160031732-G-A. GRCh37 (hg19) VCF-style: chr1-160001522-G-A.
Other names: short protein forms S3F.
Identifiers: ClinVar variation 2914985 (VCV002914985.3), dbSNP rs1017890823, ClinGen allele CA31496013.

ClinVar aggregate classification (germline): Uncertain significance (1 of 4 stars; one submission).

Conditions:
Hypercoagulability syndrome due to glycosylphosphatidylinositol deficiency (GPIBD1). Also called: GLYCOSYLPHOSPHATIDYLINOSITOL BIOSYNTHESIS DEFECT 1. Identifiers: Orphanet 83639, MedGen C5201145, MONDO:0012465, OMIM 610293.

Allele frequency attached by ClinVar (database versions not stated): TOPMed 0.00004; gnomAD 0.00007.
gnomAD v4.1: 14 of 1,614,012 alleles (0.00087%); highest among the groups gnomAD compares: African/African-American, 0.017%; no homozygotes.

Submission:

Labcorp Genetics (formerly Invitae), Labcorp
Classification: Uncertain significance for Hypercoagulability syndrome due to glycosylphosphatidylinositol deficiency. Last evaluated: 2023-02-14. Review status: criteria provided, single submitter. Criteria: Invitae Variant Classification Sherloc (09022015). Collection method: clinical testing. Allele origin: germline.
Comment: In summary, the available evidence is currently insufficient to determine the role of this variant in disease. Therefore, it has been classified as a Variant of Uncertain Significance. Algorithms developed to predict the effect of missense changes on protein structure and function (SIFT, PolyPhen-2, Align-GVGD) all suggest that this variant is likely to be tolerated. This variant has not been reported in the literature in individuals affected with PIGM-related conditions. This variant is not present in population databases (gnomAD no frequency). This sequence change replaces serine, which is neutral and polar, with phenylalanine, which is neutral and non-polar, at codon 3 of the PIGM protein (p.Ser3Phe).